The following is an entry in ClinVar:

ClinVar aggregate classification (germline): Uncertain significance (1 of 4 stars; one submission).

Conditions:
Duchenne muscular dystrophy (DMD). Also called: MUSCULAR DYSTROPHY, PSEUDOHYPERTROPHIC PROGRESSIVE, DUCHENNE TYPE; Duchenne Muscular Dystrophy (DMD). Identifiers: Orphanet 98896, MedGen C0013264, MONDO:0010679, OMIM 310200.

Allele frequency attached by ClinVar (database versions not stated): gnomAD exomes below 0.00001; gnomAD 0.00001; TOPMed 0.00001.
gnomAD v4.1: 2 of 1,209,337 alleles (0.00017%); highest among the groups gnomAD compares: East Asian, 0.003%; no homozygotes.

Submission:

Labcorp Genetics (formerly Invitae), Labcorp
Classification: Uncertain significance for Duchenne muscular dystrophy. Last evaluated: 2025-01-27. Review status: criteria provided, single submitter. Criteria: Invitae Variant Classification Sherloc (09022015). Collection method: clinical testing. Allele origin: germline.
Comment: This sequence change replaces glutamine, which is neutral and polar, with arginine, which is basic and polar, at codon 1383 of the DMD protein (p.Gln1383Arg). This variant is not present in population databases (gnomAD no frequency). This variant has not been reported in the literature in individuals affected with DMD-related conditions. ClinVar contains an entry for this variant (Variation ID: 2139102). Invitae Evidence Modeling of protein sequence and biophysical properties (such as structural, functional, and spatial information, amino acid conservation, physicochemical variation, residue mobility, and thermodynamic stability) indicates that this missense variant is not expected to disrupt DMD protein function with a negative predictive value of 95%. In summary, the available evidence is currently insufficient to determine the role of this variant in disease. Therefore, it has been classified as a Variant of Uncertain Significance.

NM_004006.3(DMD):c.4148A>G (p.Gln1383Arg)

Gene: DMD (dystrophin; minus strand). Cytogenetic location: Xp21.1.
Variant type: single nucleotide variant.
Coding change: c.4148A>G on transcript NM_004006.3 (MANE Select); coding-DNA position 4148, A replaced by G.
Protein change: p.Gln1383Arg; replaces glutamine 1383 with arginine.
Molecular consequence: missense variant.
Genome position (GRCh38, 1-based): chrX:32,411,837, T>C on the plus strand (A>G on the coding strand, the complement: DMD is on the minus strand). VCF-style: chrX-32411837-T-C. GRCh37 (hg19) VCF-style: chrX-32429954-T-C.
Other names: c.4124A>G, p.Gln1375Arg (NM_000109.4); c.4136A>G, p.Gln1379Arg (NM_004009.3); c.3779A>G, p.Gln1260Arg (NM_004010.3); c.125A>G, p.Gln42Arg (NM_004011.4); c.116A>G, p.Gln39Arg (NM_004012.4); short protein forms Q39R, Q42R, Q1260R, Q1375R, Q1379R, Q1383R.
Identifiers: ClinVar variation 2139102 (VCV002139102.3), dbSNP rs1297303010, ClinGen allele CA412666416.